The following is an entry in ClinVar:

NM_207122.2(EXT2):c.261G>A (p.Met87Ile)

Gene: EXT2 (exostosin glycosyltransferase 2; plus strand). Cytogenetic location: 11p11.2.
Variant type: single nucleotide variant.
Coding change: c.261G>A on transcript NM_207122.2 (MANE Select); coding-DNA position 261, G replaced by A.
Protein change: p.Met87Ile; replaces methionine 87 with isoleucine.
Molecular consequence: missense variant.
Genome position (GRCh38, 1-based): chr11:44,107,973, G>A. VCF-style: chr11-44107973-G-A. GRCh37 (hg19) VCF-style: chr11-44129523-G-A.
Other names: c.360G>A, p.Met120Ile (NM_000401.3); c.261G>A, p.Met87Ile (NM_001178083.3, NM_001389628.1, NM_001389630.1); short protein forms M120I, M87I.
Identifiers: ClinVar variation 954538 (VCV000954538.10), dbSNP rs758194845, ClinGen allele CA5954851.

ClinVar aggregate classification (germline): Uncertain significance (1 of 4 stars; one submission).

Conditions:
Exostoses, multiple, type 2 (EXT2). Also called: Hereditary Multiple Osteochondromatosis, Type II; EXOSTOSES, MULTIPLE, TYPE II. Identifiers: Orphanet 321, MedGen C1851413, MONDO:0007586, OMIM 133701.

Allele frequency attached by ClinVar (database versions not stated): gnomAD exomes below 0.00001; ExAC 0.00001.
gnomAD v4.1: 1 of 1,614,202 alleles (0.000062%); highest among the groups gnomAD compares: South Asian, 0.0011%; no homozygotes.

Submission:

Labcorp Genetics (formerly Invitae), Labcorp
Classification: Uncertain significance for Exostoses, multiple, type 2. Last evaluated: 2019-08-14. Review status: criteria provided, single submitter. Criteria: Invitae Variant Classification Sherloc (09022015). Collection method: clinical testing. Allele origin: germline.
Comment: In summary, the available evidence is currently insufficient to determine the role of this variant in disease. Therefore, it has been classified as a Variant of Uncertain Significance. Algorithms developed to predict the effect of missense changes on protein structure and function (SIFT, PolyPhen-2, Align-GVGD) all suggest that this variant is likely to be tolerated, but these predictions have not been confirmed by published functional studies and their clinical significance is uncertain. This variant has not been reported in the literature in individuals with EXT2-related conditions. The frequency data for this variant in the population databases is considered unreliable, as metrics indicate poor data quality at this position in the ExAC database. This sequence change replaces methionine with isoleucine at codon 87 of the EXT2 protein (p.Met87Ile). The methionine residue is highly conserved and there is a small physicochemical difference between methionine and isoleucine.